The following is an entry in ClinVar:

ClinVar aggregate classification (germline): Likely benign. Review status: criteria provided, multiple submitters, no conflicts (2 of 4 stars). 4 submissions from 4 submitters: Likely benign (4). Last evaluated 2025-12-09.

Conditions:
Acrocallosal syndrome (ACLS). Also called: HALLUX DUPLICATION, POSTAXIAL POLYDACTYLY, AND ABSENCE OF CORPUS CALLOSUM; Schinzel syndrome 1; Absence of corpus callosum with unusual facial appearance, mental deficiency, duplication of the halluces and polydactyly. Identifiers: Orphanet 36, MedGen C0796147, MONDO:0008708, OMIM 200990.
KIF7-related disorder. Also called: KIF7-related condition.

Allele frequency attached by ClinVar (database versions not stated): gnomAD 0.00003; TOPMed 0.00004; gnomAD exomes 0.00009; ExAC 0.00012; 1000 Genomes Project 30x 0.00016; 1000 Genomes Project 0.00020.
gnomAD v4.1: 78 of 1,612,736 alleles (0.0048%); highest among the groups gnomAD compares: East Asian, 0.029%; no homozygotes.

Submissions (4):

PreventionGenetics, part of Exact Sciences
Classification: Likely benign for KIF7-related condition. Last evaluated: 2025-12-09. Review status: criteria provided, single submitter. Criteria: ACMG Guidelines, 2015. Collection method: clinical testing. Allele origin: germline.
Comment: This variant is classified as likely benign based on ACMG/AMP sequence variant interpretation guidelines (Richards et al. 2015 PMID: 25741868, with internal and published modifications).

Labcorp Genetics (formerly Invitae), Labcorp
Classification: Likely benign for Acrocallosal syndrome. Last evaluated: 2025-11-26. Review status: criteria provided, single submitter. Criteria: Invitae Variant Classification Sherloc (09022015). Collection method: clinical testing. Allele origin: germline.

CeGaT Center for Human Genetics Tuebingen
Classification: Likely benign. Last evaluated: 2025-11-01. Review status: criteria provided, single submitter. Criteria: CeGaT Center For Human Genetics Tuebingen Variant Classification Criteria Version 2. Collection method: clinical testing. Allele origin: germline. Affected: yes. Observed: 2 variant alleles.
Comment: KIF7: BP4, BP7

Blueprint Genetics
Classification: Likely benign. Last evaluated: 2019-11-21. Review status: criteria provided, single submitter. Criteria: ACMG Guidelines, 2015. Collection method: clinical testing. Allele origin: germline.

NM_198525.3(KIF7):c.2472C>T (p.Leu824=)

Gene: KIF7 (kinesin family member 7; minus strand). Cytogenetic location: 15q26.1.
Variant type: single nucleotide variant.
Coding change: c.2472C>T on transcript NM_198525.3 (MANE Select); coding-DNA position 2472, C replaced by T.
Protein change: p.Leu824=; no amino-acid change (leucine 824 retained).
Molecular consequence: synonymous variant.
Genome position (GRCh38, 1-based): chr15:89,633,806, G>A on the plus strand (C>T on the coding strand, the complement: KIF7 is on the minus strand). VCF-style: chr15-89633806-G-A. GRCh37 (hg19) VCF-style: chr15-90177037-G-A.
Identifiers: ClinVar variation 717663 (VCV000717663.34), dbSNP rs199513810, ClinGen allele CA7728140.